The following is an entry in ClinVar:

NM_001330260.2(SCN8A):c.1229T>C (p.Val410Ala)

Gene: SCN8A (sodium voltage-gated channel alpha subunit 8; plus strand). Cytogenetic location: 12q13.13.
Variant type: single nucleotide variant.
Coding change: c.1229T>C on transcript NM_001330260.2 (MANE Select); coding-DNA position 1229, T replaced by C.
Protein change: p.Val410Ala; replaces valine 410 with alanine.
Molecular consequence: missense variant.
Genome position (GRCh38, 1-based): chr12:51,705,511, T>C. VCF-style: chr12-51705511-T-C. GRCh37 (hg19) VCF-style: chr12-52099295-T-C.
Other names: c.1229T>C, p.Val410Ala (NM_001177984.3, NM_001369788.1, NM_014191.4); short protein forms V410A.
Identifiers: ClinVar variation 1387304 (VCV001387304.8), dbSNP rs2138748264, ClinGen allele CA385227994.
Genomic context (GRCh38, chr12:51,705,511, plus strand): 5'-TCTTCGTCTTGGTCATCTTTGTGGGTTCTTTCTATCTGGTGAACTTGATCTTGGCTGTGG[T>C]GGCCATGGCTTATGAAGAACAGAATCAGGCAACACTGGAGGAGGCAGAACAAAAAGAGGC-3'
Protein context (NP_001317189.1, residues 400-420): FYLVNLILAV[Val410Ala]AMAYEEQNQA

ClinVar aggregate classification (germline): Conflicting classifications of pathogenicity. Review status: criteria provided, conflicting classifications (1 of 4 stars). 2 submissions from 2 submitters: Likely pathogenic (1); Uncertain significance (1). Last evaluated 2024-03-08.

Conditions:
Early-infantile DEE. Also called: Ohtahara syndrome; Early infantile epileptic encephalopathy with suppression bursts; Early infantile epileptic encephalopathy. Identifiers: Orphanet 1934, MedGen C0393706, MONDO:0800491.
Developmental and epileptic encephalopathy, 13 (DEE13). Also called: Developmental and Epileptic Encephalopathy (SCN8A-DEE); Early infantile epileptic encephalopathy 13; SCN8A-Related Epilepsy. Identifiers: Orphanet 442835, MedGen C3281191, MONDO:0013801, OMIM 614558.
Cognitive impairment with or without cerebellar ataxia (CIAT). Identifiers: MedGen C3280415, MONDO:0013680, OMIM 614306.

Submissions (2):

3billion
Classification: Likely pathogenic for Cognitive impairment with or without cerebellar ataxia; Developmental and epileptic encephalopathy, 13. Last evaluated: 2024-03-08. Review status: criteria provided, single submitter. Criteria: ACMG Guidelines, 2015. Collection method: clinical testing. Allele origin: germline. Affected: yes.
Comment: The variant is not observed in the gnomAD v2.1.1 dataset. Predicted Consequence/Location: Missense changes are a common disease-causing mechanism. In silico tool predictions suggest damaging effect of the variant on gene or gene product [REVEL: 0.94 (>=0.6, sensitivity 0.68 and specificity 0.92); 3Cnet: 1.00 (>=0.6, sensitivity 0.72 and precision 0.9)]. Different missense changes at the same codon (p.Val410Leu, p.Val410Met) have been reported as pathogenic/likely pathogenic with strong evidence (ClinVar ID: VCV000802857, VCV002231762 /PMID: 25568300, 29933521). Therefore, this variant is classified as Likely pathogenic according to the recommendation of ACMG/AMP guideline.

Labcorp Genetics (formerly Invitae), Labcorp
Classification: Uncertain significance for Early-infantile DEE. Last evaluated: 2022-08-23. Review status: criteria provided, single submitter. Criteria: Invitae Variant Classification Sherloc (09022015). Collection method: clinical testing. Allele origin: germline.
Comment: This sequence change replaces valine, which is neutral and non-polar, with alanine, which is neutral and non-polar, at codon 410 of the SCN8A protein (p.Val410Ala). This variant is not present in population databases (gnomAD no frequency). This variant has not been reported in the literature in individuals affected with SCN8A-related conditions. ClinVar contains an entry for this variant (Variation ID: 1387304). Algorithms developed to predict the effect of missense changes on protein structure and function are either unavailable or do not agree on the potential impact of this missense change (SIFT: "Deleterious"; PolyPhen-2: "Probably Damaging"; Align-GVGD: "Class C0"). This variant disrupts the p.Val410 amino acid residue in SCN8A. Other variant(s) that disrupt this residue have been observed in individuals with SCN8A-related conditions (PMID: 25568300, 29933521), which suggests that this may be a clinically significant amino acid residue. In summary, the available evidence is currently insufficient to determine the role of this variant in disease. Therefore, it has been classified as a Variant of Uncertain Significance.

Literature cited by the submitters: PubMed 25568300 (cited by 3billion and Labcorp Genetics (formerly Invitae), Labcorp); PubMed 29933521 (cited by Labcorp Genetics (formerly Invitae), Labcorp).